The following is an entry in ClinVar:

ClinVar aggregate classification (germline): Uncertain significance. Review status: criteria provided, multiple submitters, no conflicts (2 of 4 stars). 2 submissions from 2 submitters: Uncertain significance (2). Last evaluated 2025-11-02.

Conditions:
Inborn genetic diseases. Identifiers: MedGen C0950123, MeSH D030342.
Charcot-Marie-Tooth disease type 2. Also called: Charcot-Marie-Tooth type 2. Identifiers: Orphanet 64746, MedGen C0270914, MONDO:0018993.

Allele frequency attached by ClinVar (database versions not stated): TOPMed 0.00001.

Submissions (2):

Labcorp Genetics (formerly Invitae), Labcorp
Classification: Uncertain significance for Charcot-Marie-Tooth disease type 2. Last evaluated: 2025-11-02. Review status: criteria provided, single submitter. Criteria: Invitae Variant Classification Sherloc (09022015). Collection method: clinical testing. Allele origin: germline.
Comment: This sequence change replaces lysine, which is basic and polar, with glutamic acid, which is acidic and polar, at codon 641 of the AARS protein (p.Lys641Glu). This variant is not present in population databases (gnomAD no frequency). This variant has not been reported in the literature in individuals affected with AARS-related conditions. ClinVar contains an entry for this variant (Variation ID: 1682185). Invitae Evidence Modeling of protein sequence and biophysical properties (such as structural, functional, and spatial information, amino acid conservation, physicochemical variation, residue mobility, and thermodynamic stability) indicates that this missense variant is not expected to disrupt AARS protein function with a negative predictive value of 80%. In summary, the available evidence is currently insufficient to determine the role of this variant in disease. Therefore, it has been classified as a Variant of Uncertain Significance.

Ambry Genetics
Classification: Uncertain significance for Inborn genetic diseases. Last evaluated: 2023-01-06. Review status: criteria provided, single submitter. Criteria: Ambry Variant Classification Scheme 2023. Collection method: clinical testing. Allele origin: germline.

NM_001605.3(AARS1):c.1921A>G (p.Lys641Glu)

Gene: AARS1 (alanyl-tRNA synthetase 1; minus strand). Cytogenetic location: 16q22.1.
Variant type: single nucleotide variant.
Coding change: c.1921A>G on transcript NM_001605.3 (MANE Select); coding-DNA position 1921, A replaced by G.
Protein change: p.Lys641Glu; replaces lysine 641 with glutamic acid.
Molecular consequence: missense variant.
Genome position (GRCh38, 1-based): chr16:70,259,051, T>C on the plus strand (A>G on the coding strand, the complement: AARS1 is on the minus strand). VCF-style: chr16-70259051-T-C. GRCh37 (hg19) VCF-style: chr16-70292954-T-C.
Other names: c.1921A>G (NM_001605.2); short protein forms K641E.
Identifiers: ClinVar variation 1682185 (VCV001682185.10), dbSNP rs1960068371, ClinGen allele CA396558042.
Genomic context (GRCh38, chr16:70,259,051, plus strand): 5'-CAATCATCTCATTAGCAATCTCTTCAGCCTTCTTGATCTGTTGGGTGGACATGGCTCCCT[T>C]GGCAGTAAAGTCAAATCTGAGGCGGTCAGGAGCAACCAATGAGCCTTTCTGGTCAGCTTC-3'
Protein context (NP_001596.2, residues 631-651): PDRLRFDFTA[Lys641Glu]GAMSTQQIKK